The following is an entry in ClinVar:

NM_000083.3(CLCN1):c.1938G>A (p.Met646Ile)

Genes: CLCN1 (chloride voltage-gated channel 1; plus strand), LOC123956257 (Sharpr-MPRA regulatory region 4117; plus strand). Cytogenetic location: 7q34.
Variant type: single nucleotide variant.
Coding change: c.1938G>A on transcript NM_000083.3 (MANE Select); coding-DNA position 1938, G replaced by A.
Protein change: p.Met646Ile; replaces methionine 646 with isoleucine.
Molecular consequence: missense variant. On other transcripts: non-coding transcript variant (1).
Genome position (GRCh38, 1-based): chr7:143,345,528, G>A. VCF-style: chr7-143345528-G-A. GRCh37 (hg19) VCF-style: chr7-143042621-G-A.
Other names: short protein forms M646I.
Identifiers: ClinVar variation 3759128 (VCV003759128.3).

ClinVar aggregate classification (germline): Pathogenic. Review status: criteria provided, multiple submitters, no conflicts (2 of 4 stars). 2 submissions from 2 submitters: Pathogenic (2). Last evaluated 2025-03-19.

Conditions:
Congenital myotonia, autosomal recessive form. Also called: Becker Generalized Myotonia; myotonia congenita, autosomal recessive; BECKER DISEASE. Identifiers: Orphanet 614, MedGen C0751360, MONDO:0009715, OMIM 255700.
Congenital myotonia, autosomal dominant form (THD). Also called: THOMSEN DISEASE; Myotonia congenita autosomal dominant. Identifiers: Orphanet 614, MedGen C2936781, MONDO:0008055, OMIM 160800.

Submissions (2):

Women's Health and Genetics/Laboratory Corporation of America, LabCorp
Classification: Pathogenic for Congenital myotonia, autosomal recessive form. Last evaluated: 2025-03-19. Review status: criteria provided, single submitter. Criteria: LabCorp Variant Classification Summary - May 2015. Collection method: clinical testing. Allele origin: germline.
Comment: Variant summary: CLCN1 c.1938G>A (p.Met646Ile) results in a conservative amino acid change in the encoded protein sequence. Four of five in-silico tools predict a damaging effect of the variant on protein function. The variant was absent in 151452 control chromosomes. c.1938G>A has been reported in the literature in multiple individuals affected with Myotonia congenita (Trip_2008, Mazn_2011, Stunnenberg_2018). These data indicate that the variant is very likely to be associated with disease. To our knowledge, no experimental evidence demonstrating an impact on protein function has been reported. The following publications have been ascertained in the context of this evaluation (PMID: 22094069, 29606556, 18337730). ClinVar contains an entry for this variant (Variation ID: 3759128). Based on the evidence outlined above, the variant was classified as pathogenic.

Labcorp Genetics (formerly Invitae), Labcorp
Classification: Pathogenic for Congenital myotonia, autosomal recessive form; Congenital myotonia, autosomal dominant form. Last evaluated: 2024-03-16. Review status: criteria provided, single submitter. Criteria: Invitae Variant Classification Sherloc (09022015). Collection method: clinical testing. Allele origin: germline.
Comment: This sequence change replaces methionine, which is neutral and non-polar, with isoleucine, which is neutral and non-polar, at codon 646 of the CLCN1 protein (p.Met646Ile). This variant is not present in population databases (gnomAD no frequency). This missense change has been observed in individuals with autosomal recessive myotonia congenita (PMID: 18337730, 22094069). Advanced modeling of protein sequence and biophysical properties (such as structural, functional, and spatial information, amino acid conservation, physicochemical variation, residue mobility, and thermodynamic stability) performed at Invitae indicates that this missense variant is expected to disrupt CLCN1 protein function with a positive predictive value of 80%. Experimental studies have shown that this missense change affects CLCN1 function (PMID: 29606556). This variant disrupts the p.Met646 amino acid residue in CLCN1. Other variant(s) that disrupt this residue have been observed in individuals with CLCN1-related conditions (PMID: 23113340), which suggests that this may be a clinically significant amino acid residue. For these reasons, this variant has been classified as Pathogenic.

Literature cited by the submitters: PubMed 29606556 (cited by Women's Health and Genetics/Laboratory Corporation of America, LabCorp and Labcorp Genetics (formerly Invitae), Labcorp); PubMed 22094069 (cited by Women's Health and Genetics/Laboratory Corporation of America, LabCorp and Labcorp Genetics (formerly Invitae), Labcorp); PubMed 18337730 (cited by Women's Health and Genetics/Laboratory Corporation of America, LabCorp and Labcorp Genetics (formerly Invitae), Labcorp); PubMed 23113340 (cited by Labcorp Genetics (formerly Invitae), Labcorp).